The following is an entry in ClinVar:

ClinVar aggregate classification (germline): Pathogenic (1 of 4 stars; one submission).

Conditions:
LAMA2-related muscular dystrophy (LAMA2-RD). Also called: Laminin alpha 2-related dystrophy. Identifiers: MedGen C5679788, MONDO:0100228.

Submission:

Labcorp Genetics (formerly Invitae), Labcorp
Classification: Pathogenic for LAMA2-related muscular dystrophy. Last evaluated: 2022-03-09. Review status: criteria provided, single submitter. Criteria: Invitae Variant Classification Sherloc (09022015). Collection method: clinical testing. Allele origin: germline.
Comment: This sequence change creates a premature translational stop signal (p.Cys469Tyrfs*7) in the LAMA2 gene. It is expected to result in an absent or disrupted protein product. Loss-of-function variants in LAMA2 are known to be pathogenic (PMID: 18700894, 32904964). This variant is not present in population databases (gnomAD no frequency). This variant has not been reported in the literature in individuals affected with LAMA2-related conditions. For these reasons, this variant has been classified as Pathogenic.

Literature cited by the submitters: PubMed 18700894; PubMed 32904964.

NM_000426.4(LAMA2):c.1405_1406insAC (p.Cys469fs)

Gene: LAMA2 (laminin subunit alpha 2; plus strand). Cytogenetic location: 6q22.33.
Variant type: Insertion.
Coding change: c.1405_1406insAC on transcript NM_000426.4 (MANE Select); coding-DNA positions 1405 to 1406, AC inserted.
Protein change: p.Cys469fs; shifts the reading frame from cysteine 469.
Molecular consequence: frameshift variant.
Genome position: GRCh38 VCF-style: chr6-129177804-T-TAC. GRCh37 (hg19) VCF-style: chr6-129498949-T-TAC.
Other names: c.1405_1406insAC, p.Cys469fs (NM_001079823.2); short protein forms C469fs.
Identifiers: ClinVar variation 2107798 (VCV002107798.4), dbSNP rs2482725469, ClinGen allele CA2580074884.